The following is an entry in ClinVar:

NM_005732.4(RAD50):c.3835C>G (p.Arg1279Gly)

Genes: RAD50 (RAD50 double strand break repair protein; plus strand), TH2LCRR (T helper type 2 locus control region associated RNA; minus strand). Cytogenetic location: 5q31.1.
Variant type: single nucleotide variant.
Coding change: c.3835C>G on transcript NM_005732.4 (MANE Select); coding-DNA position 3835, C replaced by G.
Protein change: p.Arg1279Gly; replaces arginine 1279 with glycine.
Molecular consequence: missense variant. On other transcripts: non-coding transcript variant (1).
Genome position (GRCh38, 1-based): chr5:132,642,260, C>G. VCF-style: chr5-132642260-C-G. GRCh37 (hg19) VCF-style: chr5-131977952-C-G.
Other names: short protein forms R1279G.
Identifiers: ClinVar variation 1525240 (VCV001525240.6), dbSNP rs786201810, ClinGen allele CA360936766.

ClinVar aggregate classification (germline): Uncertain significance (1 of 4 stars; one submission).

Conditions:
Hereditary cancer-predisposing syndrome. Also called: Neoplastic Syndromes, Hereditary; Hereditary Cancer Syndrome; Tumor predisposition; Hereditary neoplastic syndrome. Identifiers: Orphanet 140162, MedGen C0027672, MeSH D009386, MONDO:0015356.

Submission:

Labcorp Genetics (formerly Invitae), Labcorp
Classification: Uncertain significance for Hereditary cancer-predisposing syndrome. Last evaluated: 2021-10-13. Review status: criteria provided, single submitter. Criteria: Invitae Variant Classification Sherloc (09022015). Collection method: clinical testing. Allele origin: germline.
Comment: In summary, the available evidence is currently insufficient to determine the role of this variant in disease. Therefore, it has been classified as a Variant of Uncertain Significance. Algorithms developed to predict the effect of missense changes on protein structure and function are either unavailable or do not agree on the potential impact of this missense change (SIFT: "Tolerated"; PolyPhen-2: "Probably Damaging"; Align-GVGD: "Class C0"). This variant has not been reported in the literature in individuals affected with RAD50-related conditions. This variant is not present in population databases (ExAC no frequency). This sequence change replaces arginine with glycine at codon 1279 of the RAD50 protein (p.Arg1279Gly). The arginine residue is moderately conserved and there is a moderate physicochemical difference between arginine and glycine.